The following is an entry in ClinVar:

NM_001365951.3(KIF1B):c.2756A>T (p.Asp919Val)

Genes: KIF1B (kinesin family member 1B; plus strand), LOC126805614 (BRD4-independent group 4 enhancer GRCh37_chr1:10385546-10386745; plus strand). Cytogenetic location: 1p36.22.
Variant type: single nucleotide variant.
Coding change: c.2756A>T on transcript NM_001365951.3 (MANE Select); coding-DNA position 2756, A replaced by T.
Protein change: p.Asp919Val; replaces aspartic acid 919 with valine.
Molecular consequence: missense variant.
Genome position (GRCh38, 1-based): chr1:10,326,191, A>T. VCF-style: chr1-10326191-A-T. GRCh37 (hg19) VCF-style: chr1-10386249-A-T.
Other names: c.2756A>T, p.Asp919Val (NM_001365952.1); c.2618A>T, p.Asp873Val (NM_015074.3); short protein forms D919V, D873V.
Identifiers: ClinVar variation 4780974 (VCV004780974.1).

ClinVar aggregate classification (germline): Uncertain significance (1 of 4 stars; one submission).

Conditions:
Charcot-Marie-Tooth disease type 2. Also called: Charcot-Marie-Tooth type 2. Identifiers: Orphanet 64746, MedGen C0270914, MONDO:0018993.

Submission:

Labcorp Genetics (formerly Invitae), Labcorp
Classification: Uncertain significance for Charcot-Marie-Tooth disease type 2. Last evaluated: 2025-11-21. Review status: criteria provided, single submitter. Criteria: Invitae Variant Classification Sherloc (09022015). Collection method: clinical testing. Allele origin: germline.
Comment: This sequence change replaces aspartic acid, which is acidic and polar, with valine, which is neutral and non-polar, at codon 873 of the KIF1B protein (p.Asp873Val). This variant is not present in population databases (gnomAD no frequency). This variant has not been reported in the literature in individuals affected with KIF1B-related conditions. An algorithm developed to predict the effect of missense changes on protein structure and function (PolyPhen-2) suggests that this variant is likely to be disruptive. In summary, the available evidence is currently insufficient to determine the role of this variant in disease. Therefore, it has been classified as a Variant of Uncertain Significance.